The following is an entry in ClinVar:

ClinVar aggregate classification (germline): Likely pathogenic (1 of 4 stars; one submission).

Conditions:
Autosomal dominant Alport syndrome (ATS3A). Also called: ALPORT SYNDROME 3A, AUTOSOMAL DOMINANT; Alport syndrome dominant type; Renal failure and sensorineural hearing loss. Identifiers: Orphanet 63, Orphanet 88918, MedGen C5882663, MONDO:0007086, OMIM 104200.
Hematuria, benign familial, 2 (BFH2). Identifiers: MedGen C5830421, MONDO:0958186, OMIM 620320.

gnomAD v4.1: 2 of 1,614,100 alleles (0.00012%); highest among the groups gnomAD compares: Non-Finnish European, 0.00017%; no homozygotes.

Submission:

Centre de Génétique Humaine, Institut de Pathologie Et de Génétique
Classification: Likely pathogenic for Autosomal dominant Alport syndrome; Hematuria, benign familial, 2. Last evaluated: 2026-04-02. Review status: criteria provided, single submitter. Criteria: ACMG Guidelines, 2015. Collection method: clinical testing. Allele origin: germline, maternal. Inheritance: Autosomal dominant inheritance. Affected: yes. Observed: 5 variant alleles, 5 heterozygotes. Clinical features observed: Microscopic hematuria (HP:0002907), Proteinuria (HP:0000093). Segregation with disease observed.
Comment: This missense variant involves a highly conserved glycine located in a ‘Gly-X-Y’ motif in collagenous region, which is characteristic of the pathogenic variants identified in the COL4A3 gene (PM1,PP2). This variant is rare: allelic frequency of 0.00012% in gnomAD v4.1.0 database (PM2); In silico analysis supports that this missense variant has a deleterious effect (PP3). Another missense variant affecting the same residue described :c.2330G>A, p.Gly777Asp (PMID: 24633401; PMID: 31308072) (PM5).

NM_000091.5(COL4A3):c.2329G>T (p.Gly777Cys)

Genes: COL4A3 (collagen type IV alpha 3 chain; plus strand), MFF-DT (MFF divergent transcript; minus strand). Cytogenetic location: 2q36.3.
Variant type: single nucleotide variant.
Coding change: c.2329G>T on transcript NM_000091.5 (MANE Select); coding-DNA position 2329, G replaced by T.
Protein change: p.Gly777Cys; replaces glycine 777 with cysteine.
Molecular consequence: missense variant.
Genome position (GRCh38, 1-based): chr2:227,280,545, G>T. VCF-style: chr2-227280545-G-T. GRCh37 (hg19) VCF-style: chr2-228145261-G-T.
Other names: p.(Gly777Cys); short protein forms G777C.
Identifiers: ClinVar variation 4853855 (VCV004853855.1).